The following is an entry in ClinVar:

ClinVar aggregate classification (germline): Likely benign. Review status: criteria provided, multiple submitters, no conflicts (2 of 4 stars). 2 submissions from 2 submitters: Likely benign (2). Last evaluated 2025-12-01.

Allele frequency attached by ClinVar (database versions not stated): gnomAD exomes below 0.00001.
gnomAD v4.1: 4 of 1,614,182 alleles (0.00025%); highest among the groups gnomAD compares: African/African-American, 0.0027%; no homozygotes.

Submissions (2):

CeGaT Center for Human Genetics Tuebingen
Classification: Likely benign. Last evaluated: 2025-12-01. Review status: criteria provided, single submitter. Criteria: CeGaT Center For Human Genetics Tuebingen Variant Classification Criteria Version 2. Collection method: clinical testing. Allele origin: germline. Affected: yes. Observed: 1 variant allele.
Comment: MMP9: BP4, BP7

Labcorp Genetics (formerly Invitae), Labcorp
Classification: Likely benign. Last evaluated: 2024-01-20. Review status: criteria provided, single submitter. Criteria: Invitae Variant Classification Sherloc (09022015). Collection method: clinical testing. Allele origin: germline.

NM_004994.3(MMP9):c.438A>G (p.Ala146=)

Gene: MMP9 (matrix metallopeptidase 9; plus strand). Cytogenetic location: 20q13.12.
Variant type: single nucleotide variant.
Coding change: c.438A>G on transcript NM_004994.3 (MANE Select); coding-DNA position 438, A replaced by G.
Protein change: p.Ala146=; no amino-acid change (alanine 146 retained).
Molecular consequence: synonymous variant.
Genome position (GRCh38, 1-based): chr20:46,010,549, A>G. VCF-style: chr20-46010549-A-G. GRCh37 (hg19) VCF-style: chr20-44639188-A-G.
Identifiers: ClinVar variation 2778315 (VCV002778315.8), dbSNP rs1414262275, ClinGen allele CA510642359.